The following is an entry in ClinVar:

NM_001163278.2(TENM1):c.183T>A (p.Ser61Arg)

Gene: TENM1 (teneurin transmembrane protein 1; minus strand). Cytogenetic location: Xq25.
Variant type: single nucleotide variant.
Coding change: c.183T>A on transcript NM_001163278.2 (MANE Select); coding-DNA position 183, T replaced by A.
Protein change: p.Ser61Arg; replaces serine 61 with arginine.
Molecular consequence: missense variant.
Genome position (GRCh38, 1-based): chrX:124,963,571, A>T on the plus strand (T>A on the coding strand, the complement: TENM1 is on the minus strand). VCF-style: chrX-124963571-A-T. GRCh37 (hg19) VCF-style: chrX-124097420-A-T.
Other names: c.183T>A, p.Ser61Arg (NM_001163279.1, NM_014253.3); short protein forms S61R.
Identifiers: ClinVar variation 2661369 (VCV002661369.24), dbSNP rs2523608056, ClinGen allele CA414290900.
Genomic context (GRCh38, chrX:124,963,571, plus strand): 5'-GTTATAAAGATCCAATAAAAACATACCTTGAGTAGATTTTTCTACTTCTTTCCTCTTTCT[A>T]CTCTGGCTATTGTAATTCATCCTCAGCTCCTGGTTATACTCGTGCAGGGTCTCCCTGGAG-3'
Protein context (NP_001156750.1, residues 51-71): QELRMNYNSQ[Ser61Arg]RKRKEVEKST

ClinVar aggregate classification (germline): Uncertain significance (1 of 4 stars; one submission).

Allele frequency attached by ClinVar (database versions not stated): gnomAD exomes below 0.00001.
gnomAD v4.1: 2 of 1,210,385 alleles (0.00017%); highest among the groups gnomAD compares: Non-Finnish European, 0.00022%; no homozygotes.

Submission:

CeGaT Center for Human Genetics Tuebingen
Classification: Uncertain significance. Last evaluated: 2022-04-01. Review status: criteria provided, single submitter. Criteria: CeGaT Center For Human Genetics Tuebingen Variant Classification Criteria Version 2. Collection method: clinical testing. Allele origin: germline. Affected: yes. Observed: 1 variant allele.
Comment: TENM1: PM2, PP2